The following is an entry in ClinVar:

ClinVar aggregate classification (germline): Uncertain significance (1 of 4 stars; one submission).

Conditions:
Deficiency of adenosine deaminase 2. Also called: Polyarteritis nodosa, childhoood-onset; Adenosine Deaminase 2 Deficiency; VASCULITIS, AUTOINFLAMMATION, IMMUNODEFICIENCY, AND HEMATOLOGIC DEFECTS SYNDROME. Identifiers: Orphanet 404553, MedGen C3887654, MONDO:0014306, OMIM 615688, MONDO:0100317.

Submission:

Labcorp Genetics (formerly Invitae), Labcorp
Classification: Uncertain significance for Deficiency of adenosine deaminase 2. Last evaluated: 2024-07-02. Review status: criteria provided, single submitter. Criteria: Invitae Variant Classification Sherloc (09022015). Collection method: clinical testing. Allele origin: germline.
Comment: This sequence change replaces tyrosine, which is neutral and polar, with asparagine, which is neutral and polar, at codon 353 of the ADA2 protein (p.Tyr353Asn). Information on the frequency of this variant in the gnomAD database is not available, as this variant may be reported differently in the database. This variant has not been reported in the literature in individuals affected with ADA2-related conditions. Experimental studies and prediction algorithms are not available or were not evaluated, and the functional significance of this variant is currently unknown. In summary, the available evidence is currently insufficient to determine the role of this variant in disease. Therefore, it has been classified as a Variant of Uncertain Significance.

NM_001282225.2(ADA2):c.1056_1057delinsGA (p.Tyr353Asn)

Gene: ADA2 (adenosine deaminase 2; minus strand). Cytogenetic location: 22q11.1.
Variant type: Indel.
Coding change: c.1056_1057delinsGA on transcript NM_001282225.2 (MANE Select); coding-DNA positions 1056 to 1057, TT replaced by GA.
Protein change: p.Tyr353Asn; replaces tyrosine 353 with asparagine.
Molecular consequence: missense variant.
Genome position (GRCh38, 1-based): chr22:17,188,363-17,188,364, AA replaced by TC on the plus strand (TT replaced by GA on the coding strand, the reverse complement: ADA2 is on the minus strand). VCF-style: chr22-17188363-AA-TC. GRCh37 (hg19) VCF-style: chr22-17669253-AA-TC.
Other names: c.1056_1057delinsGA, p.Tyr353Asn (NM_001282226.2); c.930_931delinsGA, p.Tyr311Asn (NM_001282227.2, NM_001282228.2); c.696_697delinsGA, p.Tyr233Asn (NM_001282229.2); c.333_334delinsGA, p.Tyr112Asn (NM_177405.3); short protein forms Y112N, Y311N, Y233N, Y353N.
Identifiers: ClinVar variation 3640212 (VCV003640212.2).